The following is an entry in ClinVar:

NM_182919.4(TICAM1):c.509C>T (p.Ala170Val)

Gene: TICAM1 (TIR domain containing adaptor molecule 1; minus strand). Cytogenetic location: 19p13.3.
Variant type: single nucleotide variant.
Coding change: c.509C>T on transcript NM_182919.4 (MANE Select); coding-DNA position 509, C replaced by T.
Protein change: p.Ala170Val; replaces alanine 170 with valine.
Molecular consequence: missense variant. On other transcripts: intron variant (1).
Genome position (GRCh38, 1-based): chr19:4,817,869, G>A on the plus strand (C>T on the coding strand, the complement: TICAM1 is on the minus strand). VCF-style: chr19-4817869-G-A. GRCh37 (hg19) VCF-style: chr19-4817881-G-A.
Other names: c.467C>T, p.Ala156Val (NM_001385678.1); c.374C>T, p.Ala125Val (NM_001385679.1); c.-71-63C>T (NM_001385680.1); short protein forms A156V, A125V, A170V.
Identifiers: ClinVar variation 1952962 (VCV001952962.5), dbSNP rs1322959750, ClinGen allele CA403492481.

ClinVar aggregate classification (germline): Uncertain significance (1 of 4 stars; one submission).

Conditions:
Encephalopathy, acute, infection-induced (herpes-specific), susceptibility to, 6. Also called: Herpes simplex encephalitis, susceptibility to, 4. Identifiers: Orphanet 1930, MedGen C3553869, MONDO:0013921, OMIM 614850.

Allele frequency attached by ClinVar (database versions not stated): gnomAD exomes 0.00001; TOPMed 0.00001; gnomAD 0.00001.
gnomAD v4.1: 10 of 1,613,286 alleles (0.00062%); highest among the groups gnomAD compares: Non-Finnish European, 0.00076%; no homozygotes.

Submission:

Labcorp Genetics (formerly Invitae), Labcorp
Classification: Uncertain significance for Encephalopathy, acute, infection-induced (herpes-specific), susceptibility to, 6. Last evaluated: 2022-05-21. Review status: criteria provided, single submitter. Criteria: Invitae Variant Classification Sherloc (09022015). Collection method: clinical testing. Allele origin: germline.
Comment: Algorithms developed to predict the effect of missense changes on protein structure and function output the following: SIFT: "Tolerated"; PolyPhen-2: "Benign"; Align-GVGD: "Class C0". The valine amino acid residue is found in multiple mammalian species, which suggests that this missense change does not adversely affect protein function. In summary, the available evidence is currently insufficient to determine the role of this variant in disease. Therefore, it has been classified as a Variant of Uncertain Significance. This variant has not been reported in the literature in individuals affected with TICAM1-related conditions. This variant is not present in population databases (gnomAD no frequency). This sequence change replaces alanine, which is neutral and non-polar, with valine, which is neutral and non-polar, at codon 170 of the TICAM1 protein (p.Ala170Val).